The following is an entry in ClinVar:

ClinVar aggregate classification (germline): Benign. Review status: criteria provided, multiple submitters, no conflicts (2 of 4 stars). 5 submissions from 5 submitters: Benign (4). 1 of the submissions does not count toward it. Last evaluated 2026-02-01.

Conditions:
RINT1-related disorder. Also called: RINT1-related condition.
Infantile liver failure syndrome 3. Identifiers: MedGen C5231437, MONDO:0032844, OMIM 618641.

Allele frequency attached by ClinVar (database versions not stated): 1000 Genomes Project 0.00459; 1000 Genomes Project 30x 0.00484; gnomAD 0.00968; TOPMed 0.01076; ExAC 0.01150; ESP Exome Variant Server 0.01192.
gnomAD v4.1: 21,492 of 1,614,154 alleles (1.3%); highest among the groups gnomAD compares: Middle Eastern, 2.6%; 186 homozygotes.

Submissions (5):

Labcorp Genetics (formerly Invitae), Labcorp
Classification: Benign. Last evaluated: 2026-02-01. Review status: criteria provided, single submitter. Criteria: Invitae Variant Classification Sherloc (09022015). Collection method: clinical testing. Allele origin: germline.

Department of Pathology and Laboratory Medicine, Sinai Health System
Classification: Benign for Infantile liver failure syndrome 3. Last evaluated: 2020-08-07. Review status: criteria provided, single submitter. Criteria: ACMG Guidelines, 2015. Collection method: research. Allele origin: germline.

Ambry Genetics
Classification: Benign. Last evaluated: 2020-07-30. Review status: criteria provided, single submitter. Criteria: Ambry Variant Classification Scheme 2023. Collection method: clinical testing. Allele origin: germline.

Breakthrough Genomics
Classification: Benign. Review status: criteria provided, single submitter. Criteria: ACMG Guidelines, 2015. Collection method: not provided. Allele origin: germline. Inheritance: Autosomal recessive inheritance. Affected: yes.

PreventionGenetics, part of Exact Sciences
Classification: Benign for RINT1-related condition. Last evaluated: 2019-02-19. Review status: no assertion criteria provided. Collection method: clinical testing. Allele origin: germline. Not counted in ClinVar's aggregate classification.
Comment: This variant is classified as benign based on ACMG/AMP sequence variant interpretation guidelines (Richards et al. 2015 PMID: 25741868, with internal and published modifications).

NM_021930.6(RINT1):c.1978C>A (p.Leu660Ile)

Genes: EFCAB10 (EF-hand calcium binding domain 10; minus strand), RINT1 (RAD50 interactor 1; plus strand). Cytogenetic location: 7q22.3.
Variant type: single nucleotide variant.
Coding change: c.1978C>A on transcript NM_021930.6 (MANE Select); coding-DNA position 1978, C replaced by A.
Protein change: p.Leu660Ile; replaces leucine 660 with isoleucine.
Molecular consequence: missense variant. On other transcripts: 3 prime UTR variant (3), non-coding transcript variant (1).
Genome position (GRCh38, 1-based): chr7:105,565,368, C>A. VCF-style: chr7-105565368-C-A. GRCh37 (hg19) VCF-style: chr7-105205815-C-A.
Other names: c.*79G>T (NM_001355526.2); c.*181G>T (NM_001355530.2); c.*34G>T (NM_001355531.2); c.1744C>A, p.Leu582Ile (NM_001346599.2); c.955C>A, p.Leu319Ile (NM_001346600.2, NM_001346603.2); c.1054C>A, p.Leu352Ile (NM_001346601.2); short protein forms L660I, L319I, L352I, L582I.
Identifiers: ClinVar variation 224933 (VCV000224933.17), dbSNP rs35531972, ClinGen allele CA357832.